The following is an entry in ClinVar:

ClinVar aggregate classification (germline): Pathogenic (1 of 4 stars; one submission).

Submission:

Labcorp Genetics (formerly Invitae), Labcorp
Classification: Pathogenic. Last evaluated: 2025-07-27. Review status: criteria provided, single submitter. Criteria: Invitae Variant Classification Sherloc (09022015). Collection method: clinical testing. Allele origin: germline.
Comment: This sequence change creates a premature translational stop signal (p.Phe241Leufs*10) in the C6 gene. It is expected to result in an absent or disrupted protein product. Loss-of-function variants in C6 are known to be pathogenic (PMID: 17257682). This variant is present in population databases (no rsID available, gnomAD 0.01%). This variant has not been reported in the literature in individuals affected with C6-related conditions. ClinVar contains an entry for this variant (Variation ID: 1071288). For these reasons, this variant has been classified as Pathogenic.

Literature cited by the submitters: PubMed 17257682.

NM_000065.5(C6):c.723del (p.Phe241fs)

Gene: C6 (complement C6; minus strand). Cytogenetic location: 5p13.1.
Variant type: Deletion.
Coding change: c.723del on transcript NM_000065.5 (MANE Select); coding-DNA position 723, one base deleted (T; older notation c.723delT).
Protein change: p.Phe241fs; shifts the reading frame from phenylalanine 241.
Molecular consequence: frameshift variant.
Genome position (GRCh38, 1-based): chr5:41,186,073, A deleted on the plus strand (T on the coding strand, the reverse complement: C6 is on the minus strand); the first of 3 consecutive A bases (chr5:41,186,073-41,186,075); deleting any one gives the same sequence. VCF-style (leftmost placement, unchanged base first): chr5-41186072-CA-C. GRCh37 (hg19) VCF-style: chr5-41186174-CA-C.
Other names: c.723del, p.Phe241fs (NM_001115131.4); short protein forms F241fs.
Identifiers: ClinVar variation 1071288 (VCV001071288.7), dbSNP rs1013696001, ClinGen allele CA117784020.
Genomic context (GRCh38, chr5:41,186,072, plus strand): 5'-AAATTTAGCTTATAATCACTGACGGTGTTGGAGTTGCCACCATGCTAGGCTGTCATACCT[CA>C]AAGCCGACATTTTCCAGATTGGCCGGAACACGGTATGGATTACTTGTCCTACTGCTTTTG-3'